The following is an entry in ClinVar:

GRCh37/hg19 15q21.1(chr15:48703187-48766574)

Gene: FBN1 (fibrillin 1; minus strand). Cytogenetic location: 15q21.1.
Variant type: copy number loss.
Identifiers: ClinVar variation 1325463 (VCV001325463.2).

ClinVar aggregate classification (germline): Likely pathogenic (1 of 4 stars; one submission).

Conditions:
Marfan syndrome (MFS). Also called: Marfan syndrome type 1; Marfan's syndrome; FBN1-Related Marfan Syndrome; MARFAN SYNDROME, TYPE I; Marfan syndrome, classic. Identifiers: Orphanet 284963, Orphanet 558, MedGen C0024796, MONDO:0007947, OMIM 154700.

Submission:

Centre of Medical Genetics, University of Antwerp
Classification: Likely pathogenic for Marfan syndrome. Last evaluated: 2021-03-01. Review status: criteria provided, single submitter. Criteria: Submitter's publication. Collection method: research. Allele origin: unknown. Affected: yes.
Comment: PM2, PS7, PP4